The following is an entry in ClinVar:

ClinVar aggregate classification (germline): Uncertain significance (1 of 4 stars; one submission).

Conditions:
Charcot-Marie-Tooth disease type 2R. Also called: CHARCOT-MARIE-TOOTH DISEASE, AXONAL, AUTOSOMAL RECESSIVE, TYPE 2R; Charcot-Marie-Tooth disease, axonal, type 2R; CHARCOT-MARIE-TOOTH NEUROPATHY, TYPE 2R. Identifiers: Orphanet 397968, MedGen C3809655, MONDO:0014208, OMIM 615490.

Submission:

Labcorp Genetics (formerly Invitae), Labcorp
Classification: Uncertain significance for Charcot-Marie-Tooth disease type 2R. Last evaluated: 2023-06-05. Review status: criteria provided, single submitter. Criteria: Invitae Variant Classification Sherloc (09022015). Collection method: clinical testing. Allele origin: germline.
Comment: In summary, the available evidence is currently insufficient to determine the role of this variant in disease. Therefore, it has been classified as a Variant of Uncertain Significance. Algorithms developed to predict the effect of sequence changes on RNA splicing suggest that this variant may create or strengthen a splice site. This variant has not been reported in the literature in individuals affected with TRIM2-related conditions. This variant is not present in population databases (gnomAD no frequency). This sequence change affects codon 184 of the TRIM2 mRNA. It is a 'silent' change, meaning that it does not change the encoded amino acid sequence of the TRIM2 protein.

NM_015271.5(TRIM2):c.633G>A (p.Gln211=)

Gene: TRIM2 (tripartite motif containing 2; plus strand). Cytogenetic location: 4q31.3.
Variant type: single nucleotide variant.
Coding change: c.633G>A on transcript NM_015271.5 (MANE Select); coding-DNA position 633, G replaced by A.
Protein change: p.Gln211=; no amino-acid change (glutamine 211 retained).
Molecular consequence: synonymous variant. On other transcripts: intron variant (2).
Genome position (GRCh38, 1-based): chr4:153,294,332, G>A. VCF-style: chr4-153294332-G-A. GRCh37 (hg19) VCF-style: chr4-154215484-G-A.
Other names: c.552G>A, p.Gln184= (NM_001130067.2, NM_001351056.2, NM_001375512.1 and 5 more transcripts); c.606G>A, p.Gln202= (NM_001351054.2); c.603G>A, p.Gln201= (NM_001351055.2); c.177G>A, p.Gln59= (NM_001351057.2); c.726G>A, p.Gln242= (NM_001375488.1); c.723G>A, p.Gln241= (NM_001375489.1); c.633G>A, p.Gln211= (NM_001375490.1); c.630G>A, p.Gln210= (NM_001375491.1); and 3 more.
Identifiers: ClinVar variation 3019973 (VCV003019973.3), dbSNP rs2546518133, ClinGen allele CA441781467.
Genomic context (GRCh38, chr4:153,294,332, plus strand): 5'-GTTAAATAACGACCTTTAACAACTGTCCACCAGGCTCCCAGAAATAGATTCTGCTCTTCA[G>A]TTCATCTCTGAAATCATTCATCAGTTAACCAACCAAAAGGCCAGCATCGTGGATGACATT-3'
Protein context (NP_056086.2, residues 201-221): KRLPEIDSAL[Gln211=]FISEIIHQLT